The following is an entry in ClinVar:

NM_001009944.3(PKD1):c.147C>T (p.Val49=)

Gene: PKD1 (polycystin 1, transient receptor potential channel interacting; minus strand). Cytogenetic location: 16p13.3.
Variant type: single nucleotide variant.
Coding change: c.147C>T on transcript NM_001009944.3 (MANE Select); coding-DNA position 147, C replaced by T.
Protein change: p.Val49=; no amino-acid change (valine 49 retained).
Molecular consequence: synonymous variant.
Genome position (GRCh38, 1-based): chr16:2,135,543, G>A on the plus strand (C>T on the coding strand, the complement: PKD1 is on the minus strand). VCF-style: chr16-2135543-G-A. GRCh37 (hg19) VCF-style: chr16-2185544-G-A.
Other names: c.147C>T, p.Val49= (NM_000296.4).
Identifiers: ClinVar variation 3039057 (VCV003039057.2), dbSNP rs1009646101, ClinGen allele CA276756533.
Genomic context (GRCh38, chr16:2,135,543, plus strand): 5'-GGCGTCCGCGGGGATGCGCAGCGCGGGACCGAGCGTCCGCAGCCCGCGGCCCGAGCAGTT[G>A]ACGCGGCAGGCGGCGCCGGGCGCTGGGCCGCAGAGGCAGGGGGGCTCGCAGGGCCCGCAG-3'
Protein context (NP_001009944.3, residues 39-59): CGPAPGAACR[Val49=]NCSGRGLRTL

ClinVar aggregate classification (germline): Likely benign (0 of 4 stars; one submission).

Conditions:
PKD1-related disorder. Also called: PKD1-related condition.

Allele frequency attached by ClinVar (database versions not stated): gnomAD 0.00001; gnomAD exomes 0.00001.
gnomAD v4.1: 4 of 1,147,906 alleles (0.00035%); highest among the groups gnomAD compares: African/African-American, 0.0049%; no homozygotes.

Submission:

PreventionGenetics, part of Exact Sciences
Classification: Likely benign for PKD1-related condition. Last evaluated: 2019-10-24. Review status: no assertion criteria provided. Collection method: clinical testing. Allele origin: germline.
Comment: This variant is classified as likely benign based on ACMG/AMP sequence variant interpretation guidelines (Richards et al. 2015 PMID: 25741868, with internal and published modifications).